The following is an entry in ClinVar:

ClinVar aggregate classification (germline): Uncertain significance. Review status: criteria provided, multiple submitters, no conflicts (2 of 4 stars). 3 submissions from 3 submitters: Uncertain significance (3). Last evaluated 2023-04-11.

Conditions:
Inborn genetic diseases. Identifiers: MedGen C0950123, MeSH D030342.
Pyridoxine-dependent epilepsy (EPEO4). Also called: PYRIDOXINE DEPENDENCY WITH SEIZURES; Pyridoxine-Dependent Epilepsy - ALDH7A1; EPILEPSY, EARLY-ONSET, 4, VITAMIN B6-DEPENDENT; Pyridoxine-Dependent Seizures. Identifiers: Orphanet 3006, MedGen C1849508, MONDO:0009945, OMIM 266100. Disease mechanism: loss of function.

Allele frequency attached by ClinVar (database versions not stated): TOPMed 0.00004; gnomAD exomes 0.00001; gnomAD 0.00002.
gnomAD v4.1: 32 of 1,613,994 alleles (0.002%); highest among the groups gnomAD compares: African/African-American, 0.0053%; no homozygotes.

Submissions (3):

Genome-Nilou Lab
Classification: Uncertain significance for Pyridoxine-dependent epilepsy. Last evaluated: 2023-04-11. Review status: criteria provided, single submitter. Criteria: ACMG Guidelines, 2015. Collection method: clinical testing. Allele origin: germline. Affected: no.

Labcorp Genetics (formerly Invitae), Labcorp
Classification: Uncertain significance for Pyridoxine-dependent epilepsy. Last evaluated: 2022-08-23. Review status: criteria provided, single submitter. Criteria: Invitae Variant Classification Sherloc (09022015). Collection method: clinical testing. Allele origin: germline.
Comment: This sequence change replaces threonine, which is neutral and polar, with alanine, which is neutral and non-polar, at codon 276 of the ALDH7A1 protein (p.Thr276Ala). This variant is present in population databases (no rsID available, gnomAD 0.007%). This variant has not been reported in the literature in individuals affected with ALDH7A1-related conditions. ClinVar contains an entry for this variant (Variation ID: 999799). Advanced modeling of protein sequence and biophysical properties (such as structural, functional, and spatial information, amino acid conservation, physicochemical variation, residue mobility, and thermodynamic stability) performed at Invitae indicates that this missense variant is expected to disrupt ALDH7A1 protein function. In summary, the available evidence is currently insufficient to determine the role of this variant in disease. Therefore, it has been classified as a Variant of Uncertain Significance.

Ambry Genetics
Classification: Uncertain significance for Inborn genetic diseases. Last evaluated: 2021-03-07. Review status: criteria provided, single submitter. Criteria: Ambry Variant Classification Scheme 2023. Collection method: clinical testing. Allele origin: germline.

NM_001182.5(ALDH7A1):c.826A>G (p.Thr276Ala)

Gene: ALDH7A1 (aldehyde dehydrogenase 7 family member A1; minus strand). Cytogenetic location: 5q23.2.
Variant type: single nucleotide variant.
Coding change: c.826A>G on transcript NM_001182.5 (MANE Select); coding-DNA position 826, A replaced by G.
Protein change: p.Thr276Ala; replaces threonine 276 with alanine.
Molecular consequence: missense variant.
Genome position (GRCh38, 1-based): chr5:126,568,304, T>C on the plus strand (A>G on the coding strand, the complement: ALDH7A1 is on the minus strand). VCF-style: chr5-126568304-T-C. GRCh37 (hg19) VCF-style: chr5-125903996-T-C.
Other names: c.826A>G (NM_001182.4); c.742A>G, p.Thr248Ala (NM_001201377.2); c.826A>G, p.Thr276Ala (NM_001202404.2); short protein forms T248A, T276A.
Identifiers: ClinVar variation 999799 (VCV000999799.5), dbSNP rs796052260, ClinGen allele CA126901920.
Genomic context (GRCh38, chr5:126,568,304, plus strand): 5'-AAAGCCAACACTTACCAAACCTCTCCTGCACCATCAGGCCCACCTGTTTTCCCACCTGAG[T>C]GCTCCCAGTGAAGGACAGCAGGTTCACTCGTTCATCTTTGGCCATTGCTGTGCTGCAAGG-3'
Protein context (NP_001173.2, residues 266-286): RVNLLSFTGS[Thr276Ala]QVGKQVGLMV